The following is an entry in ClinVar:

ClinVar aggregate classification (germline): Uncertain significance (1 of 4 stars; one submission).

gnomAD v4.1: 1 of 1,537,396 alleles (0.000065%); highest among the groups gnomAD compares: Admixed American, 0.002%; no homozygotes.

Submission:

Dasa
Classification: Uncertain significance. Last evaluated: 2025-10-21. Review status: criteria provided, single submitter. Criteria: DASA Assertion Criteria. Collection method: clinical testing. Allele origin: germline.
Comment: NM_018896.5(CACNA1G):c.62G>A (p.Arg21Gln) is a missense variant that results in the substitution of arginine with glutamine. This variant is rare in population databases. The currently available literature and clinical evidence are not sufficient to establish a definitive association between this variant and the reported condition. Therefore, this variant is classified as a variant of uncertain significance.

NM_018896.5(CACNA1G):c.62G>A (p.Arg21Gln)

Genes: CACNA1G (calcium voltage-gated channel subunit alpha1 G; plus strand), CACNA1G-AS1 (CACNA1G antisense RNA 1; minus strand). Cytogenetic location: 17q21.33.
Variant type: single nucleotide variant.
Coding change: c.62G>A on transcript NM_018896.5 (MANE Select); coding-DNA position 62, G replaced by A.
Protein change: p.Arg21Gln; replaces arginine 21 with glutamine.
Molecular consequence: missense variant. On other transcripts: non-coding transcript variant (5).
Genome position (GRCh38, 1-based): chr17:50,561,521, G>A. VCF-style: chr17-50561521-G-A. GRCh37 (hg19) VCF-style: chr17-48638882-G-A.
Other names: c.62G>A, p.Arg21Gln (NM_001256324.2, NM_001256325.2, NM_001256326.2 and 24 more transcripts); short protein forms R21Q.
Identifiers: ClinVar variation 4886047 (VCV004886047.2).